The following is an entry in ClinVar:

ClinVar aggregate classification (germline): Likely benign (1 of 4 stars; one submission).

Conditions:
Pheochromocytoma/paraganglioma syndrome 5. Also called: Paragangliomas 5; SDHA-Related Hereditary Paraganglioma-Pheochromocytoma Syndrome. Identifiers: Orphanet 29072, MedGen C3279992, MONDO:0013602, OMIM 614165.

Submission:

Myriad Genetics, Inc.
Classification: Likely benign for Pheochromocytoma/paraganglioma syndrome 5. Last evaluated: 2025-03-11. Review status: criteria provided, single submitter. Criteria: Myriad Autosomal Dominant, Autosomal Recessive and X-Linked Classification Criteria (2023). Collection method: clinical testing. Allele origin: unknown.
Comment: This variant is considered likely benign. This variant is intronic and is not expected to impact mRNA splicing.

NM_004168.4(SDHA):c.1664-8_1664-5delinsATCT

Gene: SDHA (succinate dehydrogenase complex flavoprotein subunit A; plus strand). Cytogenetic location: 5p15.33.
Variant type: Indel.
Coding change: c.1664-8_1664-5delinsATCT on transcript NM_004168.4 (MANE Select); 8 bases into the intron before coding-DNA position 1664 through 5 bases into the intron before coding-DNA position 1664, GTCC replaced by ATCT.
Molecular consequence: intron variant.
Genome position (GRCh38, 1-based): chr5:251,330-251,333, GTCC replaced by ATCT. VCF-style: chr5-251330-GTCC-ATCT. GRCh37 (hg19) VCF-style: chr5-251445-GTCC-ATCT.
Other names: c.1552-3063_1552-3060delinsATCT (NM_001330758.2); c.1520-8_1520-5delinsATCT (NM_001294332.2).
Identifiers: ClinVar variation 3904669 (VCV003904669.1).